The following is an entry in ClinVar:

NM_031407.7(HUWE1):c.3641C>T (p.Thr1214Met)

Genes: HUWE1 (HECT, UBA and WWE domain containing E3 ubiquitin protein ligase 1; minus strand), LOC126863263 (BRD4-independent group 4 enhancer GRCh37_chrX:53619238-53620437; plus strand). Cytogenetic location: Xp11.22.
Variant type: single nucleotide variant.
Coding change: c.3641C>T on transcript NM_031407.7 (MANE Select); coding-DNA position 3641, C replaced by T.
Protein change: p.Thr1214Met; replaces threonine 1214 with methionine.
Molecular consequence: missense variant.
Genome position (GRCh38, 1-based): chrX:53,593,464, G>A on the plus strand (C>T on the coding strand, the complement: HUWE1 is on the minus strand). VCF-style: chrX-53593464-G-A. GRCh37 (hg19) VCF-style: chrX-53620424-G-A.
Other names: c.3641C>T (NM_031407.4); short protein forms T1214M.
Identifiers: ClinVar variation 1341887 (VCV001341887.4), dbSNP rs782621365, ClinGen allele CA10422546.

ClinVar aggregate classification (germline): Conflicting classifications of pathogenicity. Review status: criteria provided, conflicting classifications (1 of 4 stars). 3 submissions from 3 submitters: Uncertain significance (2); Benign (1). Last evaluated 2025-12-02.

Conditions:
Inborn genetic diseases. Identifiers: MedGen C0950123, MeSH D030342.
Intellectual developmental disorder, X-linked, syndromic, Turner type. Also called: X-linked intellectual disability, Turner type; Intellectual disability, X-linked syndromic, Turner type. Identifiers: Orphanet 3056, Orphanet 85328, MedGen C2678046, MONDO:0010407, OMIM 309590.

Allele frequency attached by ClinVar (database versions not stated): TOPMed 0.00002; gnomAD exomes 0.00002 and 0.00001; gnomAD 0.00001 and 0.00002; ExAC 0.00005.
gnomAD v4.1: 11 of 1,208,781 alleles (0.00091%); highest among the groups gnomAD compares: South Asian, 0.007%; no homozygotes.

Submissions (3):

Ambry Genetics
Classification: Uncertain significance for Inborn genetic diseases. Last evaluated: 2025-12-02. Review status: criteria provided, single submitter. Criteria: Ambry Variant Classification Scheme 2023. Collection method: clinical testing. Allele origin: germline.

Labcorp Genetics (formerly Invitae), Labcorp
Classification: Benign. Last evaluated: 2024-03-19. Review status: criteria provided, single submitter. Criteria: Invitae Variant Classification Sherloc (09022015). Collection method: clinical testing. Allele origin: germline.

New York Genome Center
Classification: Uncertain significance for Intellectual developmental disorder, X-linked, syndromic, Turner type. Last evaluated: 2021-02-22. Review status: criteria provided, single submitter. Criteria: NYGC Assertion Criteria 2020. Collection method: clinical testing. Allele origin: inherited. Observed: 1 hemizygote. Study: CSER-NYCKidSeq.
Comment: The variant has 0.00001785 allele frequency in the gnomAD database (2 hemizygotes, no homozygotes) indicating it is not a common benign variant in populations represented in that database. The variant affects an evolutionarily conserved residue and in silico tools show conflicting predictions about potential pathogenicity of this variant (CADD score= 22.9, REVEL score=0.421). Based on the available evidence, the maternally inherited hemizygous c.3641C>T (p.Thr1214Met) variant identified in the HUWE1 gene is reported as a variant of uncertainsignificance.